The following is an entry in ClinVar:

ClinVar aggregate classification (germline): Uncertain significance. Review status: criteria provided, multiple submitters, no conflicts (2 of 4 stars). 2 submissions from 2 submitters: Uncertain significance (2). Last evaluated 2025-02-10.

Allele frequency attached by ClinVar (database versions not stated): gnomAD exomes 0.00002; TOPMed 0.00002; gnomAD 0.00003; ExAC 0.00006; ESP Exome Variant Server 0.00015.
gnomAD v4.1: 32 of 1,614,112 alleles (0.002%); highest among the groups gnomAD compares: Admixed American, 0.025%; no homozygotes.

Submissions (2):

Labcorp Genetics (formerly Invitae), Labcorp
Classification: Uncertain significance. Last evaluated: 2025-02-10. Review status: criteria provided, single submitter. Criteria: Invitae Variant Classification Sherloc (09022015). Collection method: clinical testing. Allele origin: germline.
Comment: This sequence change replaces valine, which is neutral and non-polar, with isoleucine, which is neutral and non-polar, at codon 1786 of the COL27A1 protein (p.Val1786Ile). This variant is present in population databases (rs369773718, gnomAD 0.04%). This variant has not been reported in the literature in individuals affected with COL27A1-related conditions. ClinVar contains an entry for this variant (Variation ID: 2158841). Invitae Evidence Modeling of protein sequence and biophysical properties (such as structural, functional, and spatial information, amino acid conservation, physicochemical variation, residue mobility, and thermodynamic stability) indicates that this missense variant is not expected to disrupt COL27A1 protein function with a negative predictive value of 80%. In summary, the available evidence is currently insufficient to determine the role of this variant in disease. Therefore, it has been classified as a Variant of Uncertain Significance.

Blueprint Genetics
Classification: Uncertain significance. Last evaluated: 2020-07-01. Review status: criteria provided, single submitter. Criteria: ACMG Guidelines, 2015. Collection method: clinical testing. Allele origin: germline.

NM_032888.4(COL27A1):c.5356G>A (p.Val1786Ile)

Gene: COL27A1 (collagen type XXVII alpha 1 chain; plus strand). Cytogenetic location: 9q32.
Variant type: single nucleotide variant.
Coding change: c.5356G>A on transcript NM_032888.4 (MANE Select); coding-DNA position 5356, G replaced by A.
Protein change: p.Val1786Ile; replaces valine 1786 with isoleucine.
Molecular consequence: missense variant.
Genome position (GRCh38, 1-based): chr9:114,309,398, G>A. VCF-style: chr9-114309398-G-A. GRCh37 (hg19) VCF-style: chr9-117071678-G-A.
Other names: short protein forms V1786I.
Identifiers: ClinVar variation 2158841 (VCV002158841.3), dbSNP rs369773718, ClinGen allele CA5203390.